The following is an entry in ClinVar:

NM_001792.5(CDH2):c.997G>A (p.Val333Met)

Gene: CDH2 (cadherin 2; minus strand). Cytogenetic location: 18q12.1.
Variant type: single nucleotide variant.
Coding change: c.997G>A on transcript NM_001792.5 (MANE Select); coding-DNA position 997, G replaced by A.
Protein change: p.Val333Met; replaces valine 333 with methionine.
Molecular consequence: missense variant.
Genome position (GRCh38, 1-based): chr18:28,003,020, C>T on the plus strand (G>A on the coding strand, the complement: CDH2 is on the minus strand). VCF-style: chr18-28003020-C-T. GRCh37 (hg19) VCF-style: chr18-25582984-C-T.
Other names: c.904G>A, p.Val302Met (NM_001308176.2); short protein forms V302M, V333M.
Identifiers: ClinVar variation 3633208 (VCV003633208.2).

ClinVar aggregate classification (germline): Uncertain significance (1 of 4 stars; one submission).

gnomAD v4.1: 1 of 1,613,956 alleles (0.000062%); highest among the groups gnomAD compares: African/African-American, 0.0013%; no homozygotes.

Submission:

Labcorp Genetics (formerly Invitae), Labcorp
Classification: Uncertain significance. Last evaluated: 2024-07-30. Review status: criteria provided, single submitter. Criteria: Invitae Variant Classification Sherloc (09022015). Collection method: clinical testing. Allele origin: germline.
Comment: This sequence change replaces valine, which is neutral and non-polar, with methionine, which is neutral and non-polar, at codon 333 of the CDH2 protein (p.Val333Met). This variant is present in population databases (no rsID available, gnomAD 0.007%). This variant has not been reported in the literature in individuals affected with CDH2-related conditions. An algorithm developed to predict the effect of missense changes on protein structure and function (PolyPhen-2) suggests that this variant is likely to be disruptive. In summary, the available evidence is currently insufficient to determine the role of this variant in disease. Therefore, it has been classified as a Variant of Uncertain Significance.